The following is an entry in ClinVar:

NM_000051.4(ATM):c.228A>G (p.Arg76=)

Gene: ATM (ATM serine/threonine kinase; plus strand). Cytogenetic location: 11q22.3.
Variant type: single nucleotide variant.
Coding change: c.228A>G on transcript NM_000051.4 (MANE Select); coding-DNA position 228, A replaced by G.
Protein change: p.Arg76=; no amino-acid change (arginine 76 retained).
Molecular consequence: synonymous variant.
Genome position (GRCh38, 1-based): chr11:108,229,220, A>G. VCF-style: chr11-108229220-A-G. GRCh37 (hg19) VCF-style: chr11-108099947-A-G.
Other names: c.228A>G, p.Arg76= (NM_001351834.2, NM_001351835.2, NM_001351836.2); c.228A>G (NM_000051.3).
Identifiers: ClinVar variation 1087628 (VCV001087628.13), dbSNP rs1591451698, ClinGen allele CA476668234.

ClinVar aggregate classification (germline): Benign/Likely benign. Review status: criteria provided, multiple submitters, no conflicts (2 of 4 stars). 4 submissions from 4 submitters: Benign (1); Likely benign (3). Last evaluated 2024-10-01.

Conditions:
Hereditary cancer-predisposing syndrome. Also called: Neoplastic Syndromes, Hereditary; Hereditary Cancer Syndrome; Hereditary neoplastic syndrome; Tumor predisposition. Identifiers: Orphanet 140162, MedGen C0027672, MeSH D009386, MONDO:0015356.
Familial cancer of breast. Also called: hereditary breast carcinoma; Hereditary breast cancer; BREAST CANCER, FAMILIAL. Identifiers: Orphanet 227535, MedGen C0346153, MONDO:0016419, OMIM 114480. Disease mechanism: loss of function.
Ataxia-telangiectasia syndrome (AT). Also called: Ataxia-telangiectasia, complementation group E; Ataxia telangiectasia (A-T); LOUIS-BAR SYNDROME; Cerebello-oculocutaneous telangiectasia; Immunodeficiency with ataxia telangiectasia; Ataxia-telangiectasia, complementation group D. Identifiers: Orphanet 100, MedGen C0004135, MONDO:0008840, OMIM 208900.

Submissions (4):

Blueprint Genetics
Classification: Likely benign. Last evaluated: 2024-10-01. Review status: criteria provided, single submitter. Criteria: ACMG Guidelines, 2015. Collection method: clinical testing. Allele origin: germline.

Labcorp Genetics (formerly Invitae), Labcorp
Classification: Likely benign for Ataxia-telangiectasia syndrome. Last evaluated: 2024-04-29. Review status: criteria provided, single submitter. Criteria: Invitae Variant Classification Sherloc (09022015). Collection method: clinical testing. Allele origin: germline.

Myriad Genetics, Inc.
Classification: Benign for Familial cancer of breast. Last evaluated: 2024-04-18. Review status: criteria provided, single submitter. Criteria: Myriad Autosomal Dominant, Autosomal Recessive and X-Linked Classification Criteria (2023). Collection method: clinical testing. Allele origin: unknown.
Comment: This variant is considered benign. This variant is a silent/synonymous amino acid change and it is not expected to impact splicing.

Ambry Genetics
Classification: Likely benign for Hereditary cancer-predisposing syndrome. Last evaluated: 2023-12-11. Review status: criteria provided, single submitter. Criteria: Ambry Variant Classification Scheme 2023. Collection method: clinical testing. Allele origin: germline.